The following is an entry in ClinVar:

NM_001032386.2(SUOX):c.842_843del (p.Leu281fs)

Gene: SUOX (sulfite oxidase; plus strand). Cytogenetic location: 12q13.2.
Variant type: Deletion.
Coding change: c.842_843del on transcript NM_001032386.2 (MANE Select); coding-DNA positions 842 to 843, 2 bases deleted (TG; older notation c.842_843delTG).
Protein change: p.Leu281fs; shifts the reading frame from leucine 281.
Molecular consequence: frameshift variant.
Genome position (GRCh38, 1-based): chr12:56,004,231-56,004,232, TG deleted. VCF-style (leftmost placement, unchanged base first): chr12-56004230-CTG-C. GRCh37 (hg19) VCF-style: chr12-56398014-CTG-C.
Other names: c.842_843del, p.Leu281fs (NM_000456.3, NM_001032387.2); short protein forms L281fs.
Identifiers: ClinVar variation 618402 (VCV000618402.15), dbSNP rs748900391, ClinGen allele CA6621055.

ClinVar aggregate classification (germline): Pathogenic/Likely pathogenic. Review status: criteria provided, multiple submitters, no conflicts (2 of 4 stars). 5 submissions from 5 submitters: Pathogenic (2); Likely pathogenic (2). 1 of the submissions does not count toward it. Last evaluated 2025-01-30.

Conditions:
SUOX-related disorder. Also called: SUOX-related condition.
Inborn genetic diseases. Identifiers: MedGen C0950123, MeSH D030342.
Sulfocysteinuria. Identifiers: MedGen C2931746, HP:0032350.
Sulfite oxidase deficiency. Also called: Isolated sulfite oxidase deficiency. Identifiers: Orphanet 833, Orphanet 99731, MedGen C0268624, MONDO:0010089, OMIM 272300, HP:0003643.

Allele frequency attached by ClinVar (database versions not stated): gnomAD exomes below 0.00001 and 0.00001; ExAC 0.00001; gnomAD 0.00001.

Submissions (5):

3billion
Classification: Pathogenic for Sulfite oxidase deficiency. Last evaluated: 2025-01-30. Review status: criteria provided, single submitter. Criteria: ACMG Guidelines, 2015. Collection method: clinical testing. Allele origin: germline. Affected: yes.
Comment: The variant is observed at an extremely low frequency in the gnomAD v4.1.0 dataset (total allele frequency: <0.001%). Predicted Consequence/Location: Frameshift: predicted to result in a loss or disruption of normal protein function through protein truncation. The predicted truncated protein may be shortened by more than 10%. The variant has been reported at least twice as pathogenic without evidence for the classification (ClinVar ID: VCV000618402). Therefore, this variant is classified as Pathogenic according to the recommendation of ACMG/AMP guideline.

Women's Health and Genetics/Laboratory Corporation of America, LabCorp
Classification: Likely pathogenic for Sulfocysteinuria. Last evaluated: 2023-02-13. Review status: criteria provided, single submitter. Criteria: LabCorp Variant Classification Summary - May 2015. Collection method: clinical testing. Allele origin: germline.
Comment: Variant summary: SUOX c.842_843delTG (p.Leu281ArgfsX19) results in a premature termination codon, predicted to cause a truncation of the encoded protein or absence of the protein due to nonsense mediated decay, which are commonly known mechanisms for disease. Truncations downstream of this position have been associated with Sulfite Oxidase deficiency in HGMD. The variant allele was found at a frequency of 4e-06 in 251372 control chromosomes. To our knowledge, no occurrence of c.842_843delTG in individuals affected with Sulfite Oxidase Deficiency and no experimental evidence demonstrating its impact on protein function have been reported. Two clinical diagnostic laboratories have submitted clinical-significance assessments for this variant to ClinVar after 2014 without evidence for independent evaluation and classified the variant as pathogenic (n=1) and likely pathogenic (n=1). Based on the evidence outlined above, the variant was classified as likely pathogenic.

Ambry Genetics
Classification: Pathogenic for Inborn genetic diseases. Last evaluated: 2018-03-08. Review status: criteria provided, single submitter. Criteria: Ambry exome assertion method (8-5-2015). Collection method: clinical testing. Allele origin: germline. Affected: yes. Observed: 1 variant allele.

ARUP Laboratories, Molecular Genetics and Genomics, ARUP Laboratories
Classification: Likely pathogenic. Last evaluated: 2017-06-19. Review status: criteria provided, single submitter. Criteria: ARUP Molecular Germline Variant Investigation Process. Collection method: clinical testing. Allele origin: germline.
Comment: The c.842_843del variant (rs748900391) has not been reported in the medical literature, is not listed in gene-specific variant databases, nor has it been previously identified in our laboratory. It is listed in the Exome Aggregation Consortium (ExAC) browser with an overall frequency of 0.0008 percent (identified in 1 out of 121,266 chromosomes). The c.842_843del variant introduces a frameshift into the terminal exon (exon 6) and is predicted to result in a truncated protein product. While this variant is not predicted to induce nonsense mediated mRNA decay, it nonetheless removes the dimerization domain, and other truncating variants that also remove this domain have been identified in patients with clinical symptoms of sulfite oxidase deficiency (Johnson 2002). Therefore, based on the available information, the c.842_843del variant is likely to be pathogenic.

PreventionGenetics, part of Exact Sciences
Classification: Likely pathogenic for SUOX-related condition. Last evaluated: 2024-07-16. Review status: no assertion criteria provided. Collection method: clinical testing. Allele origin: germline. Not counted in ClinVar's aggregate classification.
Comment: The SUOX c.842_843delTG variant is predicted to result in a frameshift and premature protein termination (p.Leu281Argfs*19). To our knowledge, this variant has not been previously reported in the literature. This variant is reported in 0.0033% of alleles in individuals of South Asian descent in gnomAD. Frameshift variants in SUOX are expected to be pathogenic. This variant is interpreted as likely pathogenic.

Literature cited by the submitters: PubMed 9428520 (cited by Ambry Genetics).